The following is an entry in ClinVar:

ClinVar aggregate classification (germline): Conflicting classifications of pathogenicity. Review status: criteria provided, conflicting classifications (1 of 4 stars). 5 submissions from 5 submitters: Uncertain significance (2); Likely benign (2). 1 of the submissions does not count toward it. Last evaluated 2026-05-21.

Conditions:
PKHD1-related disorder. Also called: PKHD1-related condition.
Autosomal recessive polycystic kidney disease (ARPKD). Also called: AR polycystic kidney disease. Identifiers: Orphanet 731, Orphanet 8378, MedGen C0085548, MeSH D017044, MONDO:0009889.

Allele frequency attached by ClinVar (database versions not stated): TOPMed 0.00011; 1000 Genomes Project 30x 0.00016.
gnomAD v4.1: 46 of 1,613,420 alleles (0.0029%); highest among the groups gnomAD compares: African/African-American, 0.025%; no homozygotes.

Submissions (5):

PreventionGenetics, part of Exact Sciences
Classification: Likely benign for PKHD1-related condition. Last evaluated: 2026-05-21. Review status: criteria provided, single submitter. Criteria: ACMG Guidelines, 2015. Collection method: clinical testing. Allele origin: germline.
Comment: This variant is classified as likely benign based on ACMG/AMP sequence variant interpretation guidelines (Richards et al. 2015 PMID: 25741868, with internal and published modifications).

Labcorp Genetics (formerly Invitae), Labcorp
Classification: Likely benign for Autosomal recessive polycystic kidney disease. Last evaluated: 2025-06-12. Review status: criteria provided, single submitter. Criteria: Invitae Variant Classification Sherloc (09022015). Collection method: clinical testing. Allele origin: germline.

Eurofins Ntd Llc (ga)
Classification: Uncertain significance. Last evaluated: 2018-02-15. Review status: criteria provided, single submitter. Criteria: EGL ClinVar v180209 classification definitions. Collection method: clinical testing. Allele origin: germline. Observed: 1 variant allele, 1 heterozygote.

Illumina Laboratory Services, Illumina
Classification: Uncertain significance for Polycystic kidney disease 4. Last evaluated: 2018-01-15. Review status: criteria provided, single submitter. Criteria: ICSL Variant Classification Criteria 13 December 2019. Collection method: clinical testing. Allele origin: germline.

Natera, Inc.
Classification: Likely benign for Autosomal recessive polycystic kidney disease. Last evaluated: 2017-05-08. Review status: no assertion criteria provided. Collection method: clinical testing. Allele origin: germline. Not counted in ClinVar's aggregate classification.

NM_138694.4(PKHD1):c.2463C>T (p.Ala821=)

Gene: PKHD1 (PKHD1 ciliary IPT domain containing fibrocystin/polyductin; minus strand). Cytogenetic location: 6p12.2.
Variant type: single nucleotide variant.
Coding change: c.2463C>T on transcript NM_138694.4 (MANE Select); coding-DNA position 2463, C replaced by T.
Protein change: p.Ala821=; no amino-acid change (alanine 821 retained).
Molecular consequence: synonymous variant.
Genome position (GRCh38, 1-based): chr6:52,046,133, G>A on the plus strand (C>T on the coding strand, the complement: PKHD1 is on the minus strand). VCF-style: chr6-52046133-G-A. GRCh37 (hg19) VCF-style: chr6-51910931-G-A.
Other names: c.2463C>T, p.Ala821= (NM_170724.3).
Identifiers: ClinVar variation 596179 (VCV000596179.23), dbSNP rs9474136, ClinGen allele CA3853202.